The following is an entry in ClinVar:

ClinVar aggregate classification (germline): Pathogenic. Review status: criteria provided, multiple submitters, no conflicts (2 of 4 stars). 23 submissions from 21 submitters: Pathogenic (17). 6 of the submissions do not count toward it. Last evaluated 2025-12-24.

Conditions:
Autosomal recessive ZMPSTE24-related disorders.
Restrictive dermopathy 1 (RSDM1). Also called: FETAL HYPOKINESIA SEQUENCE DUE TO RESTRICTIVE DERMOPATHY; RESTRICTIVE DERMOPATHY 1, LETHAL; HYPERKERATOSIS-CONTRACTURE SYNDROME. Identifiers: MedGen C5676878, MONDO:0800042, OMIM 275210.
ZMPSTE24-related disorder. Also called: ZMPSTE24-related disorders; ZMPSTE24-related condition. Identifiers: MedGen CN239425.
Mandibuloacral dysplasia with type B lipodystrophy (MADB). Also called: LIPODYSTROPHY, TYPE B, ASSOCIATED WITH MANDIBULOACRAL DYSPLASIA. Identifiers: Orphanet 2457, Orphanet 90154, MedGen C1837756, MONDO:0012074, OMIM 608612.
Lethal tight skin contracture syndrome. Also called: RESTRICTIVE DERMOPATHY, LETHAL; Restrictive dermopathy. Identifiers: Orphanet 1662, MedGen C0406585, MONDO:0031213.

Submissions 1 to 10 of 23:

Variantyx, Inc.
Classification: Pathogenic for Autosomal recessive ZMPSTE24-related disorders. Last evaluated: 2025-12-24. Review status: criteria provided, single submitter. Criteria: Variantyx Assertion Criteria 2022. Collection method: clinical testing. Allele origin: germline. Inheritance: Autosomal recessive inheritance.
Comment: This is a frameshift variant in the ZMPSTE24 gene (OMIM: 606480). Pathogenic variants in this gene have been associated with autosomal recessive ZMPSTE24-related disorders. This variant introduces a premature termination codon in exon 9 out of 10. It is expected to result in loss of function, which is a known disease mechanism for ZMPSTE24 in this disorder (PMID: 22718200, 24169522) (PVS1). This variant has been identified in the homozygous or compound heterozygous state in multiple individual(s) reported in the published literature (PMID: 22495976, 15843403) (PM3). This variant has a 0.0530% maximum allele frequency in non-founder control populations (PM2). Based on the current evidence, this variant is classified as pathogenic for autosomal recessive ZMPSTE24-related disorders.

Labcorp Genetics (formerly Invitae), Labcorp
Classification: Pathogenic. Last evaluated: 2025-11-03. Review status: criteria provided, single submitter. Criteria: Invitae Variant Classification Sherloc (09022015). Collection method: clinical testing. Allele origin: germline.
Comment: This sequence change creates a premature translational stop signal (p.Leu362Phefs*19) in the ZMPSTE24 gene. It is expected to result in an absent or disrupted protein product. Loss-of-function variants in ZMPSTE24 are known to be pathogenic (PMID: 22718200, 24169522). The frequency data for this variant in the population databases is considered unreliable, as metrics indicate poor data quality at this position in the gnomAD database. This premature translational stop signal has been observed in individual(s) with mandibuloacral dysplasia or restrictive dermopathy (PMID: 12913070, 19020898, 21831885, 22495976, 25629449). It has also been observed to segregate with disease in related individuals. ClinVar contains an entry for this variant (Variation ID: 4271). Algorithms developed to predict the effect of sequence changes on RNA splicing suggest that this variant may disrupt the consensus splice site. For these reasons, this variant has been classified as Pathogenic.

GeneDx
Classification: Pathogenic. Last evaluated: 2025-03-20. Review status: criteria provided, single submitter. Criteria: GeneDx Variant Classification Process June 2021. Collection method: clinical testing. Allele origin: germline. Affected: yes.
Comment: Frameshift variant predicted to result in protein truncation or nonsense mediated decay in a gene for which loss of function is a known mechanism of disease; Published functional studies demonstrate a damaging effect with no proteolytic activity observed (PMID: 22718200); This variant is associated with the following publications: (PMID: 21108632, 12913070, 17152860, 16297189, 21831885, 15317753, 34647350, 19442658, 19020898, 22495976, 25629449, 29341437, 20034068, 20635340, 26627141, 30919593, 30461078, 31130284, 31980526, 31589614, 32041611, 37246601, 36876346, 38523675, 22718200)

Revvity Omics, Revvity
Classification: Pathogenic. Last evaluated: 2025-03-10. Review status: criteria provided, single submitter. Criteria: ACMG Guidelines, 2015. Collection method: clinical testing. Allele origin: germline.

Dasa
Classification: Pathogenic. Last evaluated: 2024-09-16. Review status: criteria provided, single submitter. Criteria: DASA Assertion Criteria. Collection method: clinical testing. Allele origin: germline.
Comment: NM_005857.5(ZMPSTE24):c.1085dup (p.Leu362Phefs*19) introduces a premature termination codon predicted to result in loss of normal protein function. Loss-of-function is an established mechanism of disease for this gene. This variant has been recurrently observed in individuals with related phenotype (PMID: 19020898; PMID: 21831885; PMID: 25629449; PMID: 30919593). Multiple computational predictions support a deleterious effect on the gene or gene product. The variant is present at low frequency in population datasets. Based on the available data, this variant is classified as pathogenic.

Department of Pathology and Laboratory Medicine, Sinai Health System
Classification: Pathogenic for Mandibuloacral dysplasia with type B lipodystrophy. Last evaluated: 2023-08-02. Review status: criteria provided, single submitter. Criteria: ACMG Guidelines, 2015. Collection method: research. Allele origin: germline.

Victorian Clinical Genetics Services, Murdoch Childrens Research Institute
Classification: Pathogenic for Restrictive dermopathy 1. Last evaluated: 2023-07-17. Review status: criteria provided, single submitter. Criteria: ACMG Guidelines, 2015. Collection method: clinical testing. Allele origin: germline. Inheritance: Autosomal recessive inheritance. Affected: yes.
Comment: Based on the classification scheme VCGS_Germline_v1.3.4, this variant is classified as Pathogenic. Following criteria are met: 0102 - Loss of function is a known mechanism of disease in this gene and is associated with mandibuloacral dysplasia with type B lipodystrophy, (MAD-B; MIM#608612) and restrictive dermopathy 1, (RD; MIM#275210). (I) 0106 - This gene is associated with autosomal recessive disease. Variants that result in residual protein function lead to MAD-B, while complete loss-of-function alleles lead to RD (PMID: 22718200). (I) 0201 - Variant is predicted to cause nonsense-mediated decay (NMD) and loss of protein (premature termination codon is located at least 54 nucleotides upstream of the final exon-exon junction). (SP) 0251 - This variant is heterozygous. (I) 0304 - Variant is present in gnomAD <0.01 for a recessive condition (v2: 93 heterozygotes, 0 homozygotes). (SP) 0701 - Other NMD-predicted variants comparable to the one identified in this case have very strong previous evidence for pathogenicity (DECIPHER). (SP) 0801 - This variant has strong previous evidence of pathogenicity in unrelated individuals. It is one of the most common pathogenic variants reported in MAD-B and RD individuals, depending on their second allele (PMID: 24169522, ClinVar). (SP) 1102 - Very strong and specific phenotype match for this individual. (I) Legend: (SP) - Supporting pathogenic, (I) - Information, (SB) - Supporting benign

Neuberg Centre For Genomic Medicine, NCGM
Classification: Pathogenic for Restrictive dermopathy 1. Last evaluated: 2023-06-22. Review status: criteria provided, single submitter. Criteria: ACMG Guidelines, 2015. Collection method: clinical testing. Allele origin: germline. Inheritance: Autosomal recessive inheritance. Affected: yes.
Comment: The observed frameshift c.1085dup(p.Leu362PhefsTer19) variant in ZMPSTE24 gene has been reported previously in homozygous and compound heterozygous states in multiple individuals affected with restrictive dermopathy (Kwan JM., 2015; Navarro CL, et al., 2014; Loucks C, et al., 2012; Ahmad Z, et al., 2012). This variant has also been observed to segregate with disease in related individuals. This variant has been reported to be a common founder variant in Old Colony Mennonite (OCM) and Hutterites (Loucks C, et al., 2012). The p.Leu362PhefsTer19 variant is present with allele frequency of 0.03% in gnomAD Exomes. This variant has been submitted to the ClinVar database as Pathogenic (multiple submissions). This variant causes a frameshift starting with codon Leucine 362, changes this amino acid to Phenylalanine residue, and creates a premature Stop codon at position 19 of the new reading frame, denoted p.Leu362PhefsTer19. This variant is predicted to cause loss of normal protein function through protein truncation. Loss of function variants in ZMPSTE24 gene have been previously reported to be disease causing (Navarro CL, et al., 2014; Barrowman J, et al., 2012). For these reasons, this variant has been classified as Pathogenic.

Neuberg Centre For Genomic Medicine, NCGM
Classification: Pathogenic for Restrictive dermopathy 1. Last evaluated: 2023-03-01. Review status: criteria provided, single submitter. Criteria: ACMG Guidelines, 2015. Collection method: clinical testing. Allele origin: germline. Inheritance: Autosomal recessive inheritance. Affected: yes.
Comment: The frameshift c.1085dup (p.Leu362PhefsTer19) variant in ZMPSTE24 gene has been previously reported in homozygous, heterozygous and compound heterozygous states in multiple individuals affected with Restrictive Dermatopathy (Li, 2010; Ahmad et al., 2012; Moulson et al., 2005). The p.Leu362PhefsTer19 variant has been reported with allele frequency of 0.03% in gnomAD Exomes and is novel (not in any individuals) in 1000 Genomes. This variant has been reported to the ClinVar database as Pathogenic (multiple submissions). This variant causes a frameshift starting with codon Leucine 362, changes this amino acid to Phenylalanine residue, and creates a premature Stop codon at position 19 of the new reading frame, denoted p.Leu362PhefsTer19. This variant is predicted to cause loss of normal protein function through protein truncation. Loss of function variants have been previously reported to be disease causing. For these reasons, this variant has been classified as Pathogenic.

Baylor Genetics
Classification: Pathogenic for Mandibuloacral dysplasia with type B lipodystrophy. Last evaluated: 2022-07-22. Review status: criteria provided, single submitter. Criteria: ACMG Guidelines, 2015. Collection method: clinical testing. Allele origin: unknown.

NM_005857.5(ZMPSTE24):c.1085dup (p.Leu362fs)

Gene: ZMPSTE24 (zinc metallopeptidase STE24; plus strand). Cytogenetic location: 1p34.2.
Variant type: Duplication.
Coding change: c.1085dup on transcript NM_005857.5 (MANE Select); coding-DNA position 1085, one base duplicated (T; older notation c.1085dupT).
Protein change: p.Leu362fs; shifts the reading frame from leucine 362.
Molecular consequence: frameshift variant.
Genome position (GRCh38, 1-based): chr1:40,290,879, T duplicated; the last of 9 consecutive T bases (chr1:40,290,871-40,290,879); duplicating any one gives the same sequence. VCF-style (leftmost placement, unchanged base first): chr1-40290870-G-GT. GRCh37 (hg19) VCF-style: chr1-40756542-G-GT.
Other names: c.1076_1077insT (NM_005857.5); c.1085dup (NM_005857.4); c.1085dup, p.Leu362Phefs (LRG_212t1); c.1085dupT (NM_005857.4); c.1077dupT (NM_005857.3); short protein forms L362fs.
Identifiers: ClinVar variation 4271 (VCV000004271.74), dbSNP rs137854889, ClinGen allele CA116749.